The following is an entry in ClinVar:

NM_002474.3(MYH11):c.1689C>T (p.Phe563=)

Gene: MYH11 (myosin heavy chain 11; minus strand). Cytogenetic location: 16p13.11.
Variant type: single nucleotide variant.
Coding change: c.1689C>T on transcript NM_002474.3 (MANE Select); coding-DNA position 1689, C replaced by T.
Protein change: p.Phe563=; no amino-acid change (phenylalanine 563 retained).
Molecular consequence: synonymous variant.
Genome position (GRCh38, 1-based): chr16:15,756,401, G>A on the plus strand (C>T on the coding strand, the complement: MYH11 is on the minus strand). VCF-style: chr16-15756401-G-A. GRCh37 (hg19) VCF-style: chr16-15850258-G-A.
Other names: c.1710C>T, p.Phe570= (NM_001040113.2, NM_001040114.2); c.1689C>T, p.Phe563= (NM_022844.3); c.1689C>T (NM_002474.2).
Identifiers: ClinVar variation 1638232 (VCV001638232.12), dbSNP rs201401918, ClinGen allele CA493793352.

ClinVar aggregate classification (germline): Likely benign. Review status: criteria provided, multiple submitters, no conflicts (2 of 4 stars). 4 submissions from 4 submitters: Likely benign (4). Last evaluated 2026-01-17.

Conditions:
Aortic aneurysm, familial thoracic 4 (AAT4). Also called: AORTIC ANEURYSM/AORTIC DISSECTION AND PATENT DUCTUS ARTERIOSUS. Identifiers: MedGen C1851504, MONDO:0007568, OMIM 132900.
Familial thoracic aortic aneurysm and aortic dissection (TAAD). Also called: Thoracic aortic aneurysms and dissections. Identifiers: Orphanet 91387, MedGen C4707243, MONDO:0019625.

Allele frequency attached by ClinVar (database versions not stated): gnomAD 0.00002.
gnomAD v4.1: 32 of 1,614,020 alleles (0.002%); highest among the groups gnomAD compares: Non-Finnish European, 0.0027%; no homozygotes.

Submissions (4):

Ambry Genetics
Classification: Likely benign for Familial thoracic aortic aneurysm and aortic dissection. Last evaluated: 2026-01-17. Review status: criteria provided, single submitter. Criteria: Ambry Variant Classification Scheme 2023. Collection method: clinical testing. Allele origin: germline.

Labcorp Genetics (formerly Invitae), Labcorp
Classification: Likely benign for Aortic aneurysm, familial thoracic 4. Last evaluated: 2024-11-30. Review status: criteria provided, single submitter. Criteria: Invitae Variant Classification Sherloc (09022015). Collection method: clinical testing. Allele origin: germline.

All of Us Research Program, National Institutes of Health
Classification: Likely benign for Familial thoracic aortic aneurysm and aortic dissection. Last evaluated: 2023-12-13. Review status: criteria provided, single submitter. Criteria: ACMG Guidelines, 2015. Collection method: clinical testing. Allele origin: germline. Inheritance: Autosomal dominant inheritance. Observed: 3 variant alleles, 3 heterozygotes.
Comment: This study involves interpretation of variants in research participants for the purpose of population health screening. Participant phenotype was not available at the time of variant classification. Additional details can be found in publication PMID: 35346344, PMCID: PMC8962531

Color Diagnostics, LLC DBA Color Health
Classification: Likely benign for Familial thoracic aortic aneurysm and aortic dissection. Last evaluated: 2022-11-06. Review status: criteria provided, single submitter. Criteria: ACMG Guidelines, 2015. Collection method: clinical testing. Allele origin: germline.